The following is an entry in ClinVar:

ClinVar aggregate classification (germline): Likely benign (1 of 4 stars; one submission).

Submission:

CeGaT Center for Human Genetics Tuebingen
Classification: Likely benign. Last evaluated: 2025-03-01. Review status: criteria provided, single submitter. Criteria: CeGaT Center For Human Genetics Tuebingen Variant Classification Criteria Version 2. Collection method: clinical testing. Allele origin: germline. Affected: yes. Observed: 1 variant allele.
Comment: POU3F2: BP3

NM_005604.4(POU3F2):c.201CGG[6] (p.Gly88_Asp89insGly)

Gene: POU3F2 (POU class 3 homeobox 2; plus strand). Cytogenetic location: 6q16.1.
Variant type: Microsatellite.
Coding change: c.201CGG[6] on transcript NM_005604.4 (MANE Select); six copies in a row of the 3-base unit CGG starting at c.201; the reference has five copies in a row; one copy, 3 bases duplicated.
Protein change: p.Gly88_Asp89insGly.
Genome position (GRCh38, 1-based): chr6:98,835,086-98,835,088, CGG duplicated; duplicating any 3 consecutive bases within chr6:98,835,074-98,835,088 gives the same sequence; the position shown is the placement nearest the transcript's 3' end. VCF-style (leftmost placement, unchanged base first): chr6-98835073-A-ACGG. GRCh37 (hg19) VCF-style: chr6-99282949-A-ACGG.
Identifiers: ClinVar variation 3778197 (VCV003778197.7).